The following is an entry in ClinVar:

ClinVar aggregate classification (germline): Pathogenic. Review status: reviewed by expert panel (3 of 4 stars). 5 submissions from 5 submitters: Pathogenic (1). 4 of the submissions do not count toward it. Last evaluated 2025-01-07.

Conditions:
Glycogen storage disease, type II (IOPD). Also called: Glycogen storage disease type 2; Acid maltase deficiency disease; Aglucosidase alfa; Deficiency of alpha-glucosidase; Deficiency of lysosomal alpha-glucosidase; Glucosidase acid-1,4-alpha deficiency. Identifiers: Orphanet 365, MedGen C0017921, MONDO:0009290, OMIM 232300.

Allele frequency attached by ClinVar (database versions not stated): ExAC 0.00001.

Submissions (5):

ClinGen Lysosomal Storage Disorder Variant Curation Expert Panel
Classification: Pathogenic for Glycogen storage disease, type II. Last evaluated: 2025-01-07. Review status: reviewed by expert panel. Criteria: clingen_lsd_acmg_specifications_v2-1. Collection method: curation. Allele origin: germline. Inheritance: Autosomal recessive inheritance.
Comment: The NM_000152.5:c.692+1G>C variant alters the canonical donor splice site of intron 3 of GAA. It is predicted to cause skipping of biologically-relevant-exon 4 (GAA has 20 exons), resulting in a frameshift leading to nonsense mediated decay in a gene in which loss-of-function is an established disease mechanism. A fibroblast cell line derived from a patient who is compound heterozygous for the variant showed reduced GAA enzyme activity via a fluorometric assay using 4-MU. The relative GAA enzyme activity was 3.2% (normal range of GAA activity in fibroblasts is 58.5 +/- 28.1%) (PMID: 19046416). Additionally, RT-PCR analysis performed on cultured fibroblasts from a patient who is compound heterozygous for the variant showed lack of the corresponding mutant transcript, confirming its deleterious effect (PMID: 16917947) (PVS1). At least two patients with findings consistent with Pompe disease have been reported with this variant. Reduced GAA activity was reported for both patients but laboratory values were not provided. The second patient was diagnosed with Pompe disease and presented with clinical features including mild muscular symptoms, mobility problems, weakness and fatigue (PMID: 1691794) (PP4_Moderate). These two patients are compound heterozygous for the variant and another variant in GAA, either c.-32-13T>G (PMID: 16917947) or c.1645G>C (p.G549R) (PMID: 24395639); the phase of the variants is unknown. The allelic data from these patients will be used in the assessment of the second variant and is not included here to avoid circular logic. (PM3_Supporting). In gnomAD v4.1.0, the highest population minor allele frequency is 0.0000008522 (1/1173500 alleles; 0 homozygotes) in the European, (non-Finnish) population, which is lower than the ClinGen Lysosomal Diseases VCEP’s threshold for PM2_Supporting (<0.001), meeting this criterion (PM2_Supporting). In gnomAD v2.1.1, the highest population minor allele frequency is 0.000008988 (1/111256 alleles; 0 homozygotes) in the European, (non-Finnish) population, which is lower than the ClinGen Lysosomal Diseases VCEP’s threshold for PM2_Supporting (<0.001), meeting this criterion (PM2_Supporting). The highest population minor allele frequency in gnomAD v4.1.0 is 0.0000008522 (1/1173500 alleles; 0 homozygotes) in the European, (non-Finnish) population, which is lower than the ClinGen Lysosomal Diseases VCEP’s threshold for PM2_Supporting (<0.001), meeting this criterion (PM2_Supporting). There is a ClinVar entry for this variant (Variation ID: 972793). In summary, this variant meets the criteria to be classified as Pathogenic for Pompe disease. GAA-specific ACMG/AMP criteria met, based on the specifications of the ClinGen Lysosomal Diseases VCEP (Specifications Version 2.0): PVS1, PP4_Moderate, PM2_Supporting, PM3_Supporting. (Classification approved by the ClinGen Lysosomal Diseases Variant Curation Expert Panel on January 7, 2025)

Genomenon, Inc
Classification: Pathogenic for Glycogen storage disease, type II. Last evaluated: 2026-07-01. Review status: criteria provided, single submitter. Criteria: Genomenon Sequence Variant Interpretation Standards - Updated. Collection method: curation. Allele origin: germline. Affected: yes. Not counted in ClinVar's aggregate classification.
Comment: GAA c.692+1G>C is a canonical splice variant affecting the donor splice site of intron 3. It is predicted to affect mRNA splicing, leading to a deleterious effect on the GAA protein. This variant has been observed in at least one proband with a GAA-related disorder (PMID:24395639;19046416). Functional studies have been reported (PMID:19862843;19046416). At least one splicing study has demonstrated that this variant results in aberrant splicing (PMID:16917947). It is absent or not present at a significant frequency in gnomAD. In conclusion, we classify GAA c.692+1G>C as a pathogenic variant.

GeneDx
Classification: Pathogenic. Last evaluated: 2023-12-28. Review status: criteria provided, single submitter. Criteria: GeneDx Variant Classification Process June 2021. Collection method: clinical testing. Allele origin: germline. Affected: yes. Not counted in ClinVar's aggregate classification.
Comment: Canonical splice site variant predicted to result in a null allele in a gene for which loss of function is a known mechanism of disease; Published functional studies demonstrate a damaging effect on splicing resulting in absent transcript (PMID: 16917947); Not observed at significant frequency in large population cohorts (gnomAD); This variant is associated with the following publications: (PMID: 33426149, 28182897, 25525159, 24395639, 19046416, 16917947, 19862843, 17915575, 20308911, 17213836, 21179066)

Labcorp Genetics (formerly Invitae), Labcorp
Classification: Pathogenic for Glycogen storage disease, type II. Last evaluated: 2022-04-20. Review status: criteria provided, single submitter. Criteria: Invitae Variant Classification Sherloc (09022015). Collection method: clinical testing. Allele origin: germline. Not counted in ClinVar's aggregate classification.
Comment: Disruption of this splice site has been observed in individuals with Pompe disease (PMID: 16917947). For these reasons, this variant has been classified as Pathogenic. Algorithms developed to predict the effect of sequence changes on RNA splicing suggest that this variant may disrupt the consensus splice site. ClinVar contains an entry for this variant (Variation ID: 972793). This variant is present in population databases (rs773281453, gnomAD 0.0009%). This sequence change affects a donor splice site in intron 3 of the GAA gene. It is expected to disrupt RNA splicing. Variants that disrupt the donor or acceptor splice site typically lead to a loss of protein function (PMID: 16199547), and loss-of-function variants in GAA are known to be pathogenic (PMID: 18425781, 22252923).

Broad Center for Mendelian Genomics, Broad Institute of MIT and Harvard
Classification: Pathogenic for Glycogen storage disease, type II. Last evaluated: 2020-01-22. Review status: criteria provided, single submitter. Criteria: ACMG Guidelines, 2015. Collection method: curation. Allele origin: germline. Inheritance: Autosomal recessive inheritance. Not counted in ClinVar's aggregate classification.
Comment: The c.692+1G>C variant has been reported in at least two individuals with glycogen storage disease (PMID: 24395639, 19046416, 28182897, 16917947), and has been identified in 0.001% (1/111256) of European (non-Finnish) chromosomes by the Genome Aggregation Database (gnomAD; dbSNP rs773281453). Although this variant has been seen in the general population, its frequency is low enough to be consistent with a recessive carrier frequency. This variant occurs in the invariant region (+/- 1/2) of the splice consensus sequence and is predicted to cause altered splicing leading to an absent protein. Loss of function of the GAA gene is an established disease mechanism in autosomal recessive glycogen storage disease. The phenotype of individuals heterozygous for this variant is highly specific for glycogen storage disease based on GAA enzyme activity being <10% of wild type in fibroblasts, consistent with disease (PMID: 28182897, 16917947, 24395639). This variant has been seen in combination with reported pathogenic variant c.-32-13T>G and p.Gly549Arg (VariationID: 4027, PMID: 16917947, 16917947, 28182897, 19046416, 24395639) in individuals with glycogen storage disease. In summary, this variant meets criteria to be classified as pathogenic for glycogen storage disease in an autosomal recessive manner based on the prediction that the variant causes loss of function, the detection of the variant in combination with other pathogenic variants in affected individuals, and the low frequency of the variant in the general population. ACMG/AMP Criteria applied: PVS1, PM2, PP4 (Richards 2015).

Literature cited by the submitters: PubMed 24395639 (cited by Genomenon, Inc and Broad Center for Mendelian Genomics, Broad Institute of MIT and Harvard); PubMed 19046416 (cited by Genomenon, Inc); PubMed 19862843 (cited by Genomenon, Inc); PubMed 16917947 (cited by 3 submitters); PubMed 16199547 (cited by Labcorp Genetics (formerly Invitae), Labcorp); PubMed 18425781 (cited by Labcorp Genetics (formerly Invitae), Labcorp); PubMed 22252923 (cited by Labcorp Genetics (formerly Invitae), Labcorp); PubMed 28182897 (cited by Broad Center for Mendelian Genomics, Broad Institute of MIT and Harvard).

NM_000152.5(GAA):c.692+1G>C

Gene: GAA (alpha glucosidase; plus strand). Cytogenetic location: 17q25.3.
Variant type: single nucleotide variant.
Coding change: c.692+1G>C on transcript NM_000152.5 (MANE Select); the canonical splice donor site of the intron after coding-DNA position 692, G replaced by C.
Molecular consequence: splice donor variant.
Genome position (GRCh38, 1-based): chr17:80,105,895, G>C. VCF-style: chr17-80105895-G-C. GRCh37 (hg19) VCF-style: chr17-78079694-G-C.
Other names: c.692+1G>C (NM_001406741.1, NM_001406742.1, NM_001079803.3 and 1 more transcripts).
Identifiers: ClinVar variation 972793 (VCV000972793.11), dbSNP rs773281453, ClinGen allele CA8814965.
Genomic context (GRCh38, chr17:80,105,895, plus strand): 5'-GGAGTTCTCCGAGGAGCCCTTCGGGGTGATCGTGCGCCGGCAGCTGGACGGCCGCGTGCT[G>C]TGAGTTCTGGGCTCTGTGCCAGCATGATGGGGAGGGCGACGCGCATTTCTCACACGGCAG-3'